The following is an entry in ClinVar:

NM_000512.5(GALNS):c.1173GGC[1] (p.Ala393del)

Gene: GALNS (galactosamine (N-acetyl)-6-sulfatase; minus strand). Cytogenetic location: 16q24.3.
Variant type: Microsatellite.
Coding change: c.1173GGC[1] on transcript NM_000512.5 (MANE Select); one copy of the 3-base unit GGC starting at c.1173; the reference has two copies in a row; one copy, 3 bases deleted; also written c.1176_1178del.
Protein change: p.Ala393del; deletes alanine 393.
Molecular consequence: inframe deletion.
Genome position (GRCh38, 1-based): chr16:88,824,831-88,824,833, GCC deleted on the plus strand (GGC on the coding strand, the reverse complement: GALNS is on the minus strand); deleting any 3 consecutive bases within chr16:88,824,831-88,824,836 gives the same sequence; the position shown is the placement nearest the transcript's 3' end. VCF-style (leftmost placement, unchanged base first): chr16-88824830-GGCC-G. GRCh37 (hg19) VCF-style: chr16-88891238-GGCC-G.
Other names: c.1176_1178del (NM_000512.5); c.618GGC[1], p.Ala208del (NM_001323543.2); c.1191GGC[1], p.Ala399del (NM_001323544.2); short protein forms A393del, A208del, A399del.
Identifiers: ClinVar variation 592181 (VCV000592181.12), dbSNP rs1567519221, ClinGen allele CA913191151.

ClinVar aggregate classification (germline): Conflicting classifications of pathogenicity. Review status: criteria provided, conflicting classifications (1 of 4 stars). 3 submissions from 3 submitters: Likely pathogenic (1); Uncertain significance (2). Last evaluated 2024-06-19.

Conditions:
Mucopolysaccharidosis, MPS-IV-A (MPS4A). Also called: MORQUIO SYNDROME A; MPS IVA; GALACTOSAMINE-6-SULFATASE DEFICIENCY; GALNS DEFICIENCY; MORQUIO A DISEASE; mucopolysaccharidosis type 4A. Identifiers: Orphanet 309297, Orphanet 582, MedGen C0086651, MONDO:0009659, OMIM 253000.

Submissions (3):

Labcorp Genetics (formerly Invitae), Labcorp
Classification: Likely pathogenic for Mucopolysaccharidosis, MPS-IV-A. Last evaluated: 2024-06-19. Review status: criteria provided, single submitter. Criteria: Invitae Variant Classification Sherloc (09022015). Collection method: clinical testing. Allele origin: germline.
Comment: This variant, c.1176_1178del, results in the deletion of 1 amino acid(s) of the GALNS protein (p.Ala393del), but otherwise preserves the integrity of the reading frame. This variant is not present in population databases (gnomAD no frequency). This variant has been observed in individual(s) with mucopolysaccharidosis type IVA (PMID: 24120057, 34387910, 35212421). In summary, the currently available evidence indicates that the variant is pathogenic, but additional data are needed to prove that conclusively. Therefore, this variant has been classified as Likely Pathogenic.

Laboratory of Diagnosis and Therapy of Lysosomal Disorders, University of Padova
Classification: Uncertain significance for Mucopolysaccharidosis, MPS-IV-A. Last evaluated: 2021-02-01. Review status: criteria provided, single submitter. Criteria: ACMG Guidelines, 2015. Collection method: research. Allele origin: germline. Affected: yes.
Comment: In vivo functional studies supportive of a damaging effect on the gene product (low to null enzymatic activity in homozygotes; PS3_moderate); very low frequency in gnomAD v2.1.1 (PM2_moderate); protein length changes as a result of in-frame deletion in a nonrepeat region (PM4_supporting)

Eurofins Ntd Llc (ga)
Classification: Uncertain significance. Last evaluated: 2017-08-31. Review status: criteria provided, single submitter. Criteria: EGL Classification Definitions 2015. Collection method: clinical testing. Allele origin: germline. Observed: 5 variant alleles, 5 homozygotes.

Literature cited by the submitters: PubMed 24120057 (cited by Labcorp Genetics (formerly Invitae), Labcorp and Laboratory of Diagnosis and Therapy of Lysosomal Disorders, University of Padova); PubMed 34387910 (cited by Labcorp Genetics (formerly Invitae), Labcorp and Laboratory of Diagnosis and Therapy of Lysosomal Disorders, University of Padova); PubMed 35212421 (cited by Labcorp Genetics (formerly Invitae), Labcorp); PubMed 24726177 (cited by Laboratory of Diagnosis and Therapy of Lysosomal Disorders, University of Padova).